The following is an entry in ClinVar:

NM_000291.4(PGK1):c.931T>G (p.Trp311Gly)

Gene: PGK1 (phosphoglycerate kinase 1; plus strand). Cytogenetic location: Xq21.1.
Variant type: single nucleotide variant.
Coding change: c.931T>G on transcript NM_000291.4 (MANE Select); coding-DNA position 931, T replaced by G.
Protein change: p.Trp311Gly; replaces tryptophan 311 with glycine.
Molecular consequence: missense variant.
Genome position (GRCh38, 1-based): chrX:78,123,369, T>G. VCF-style: chrX-78123369-T-G. GRCh37 (hg19) VCF-style: chrX-77378866-T-G.
Other names: short protein forms W311G.
Identifiers: ClinVar variation 521255 (VCV000521255.9), dbSNP rs1443224391, ClinGen allele CA413717044.

ClinVar aggregate classification (germline): Uncertain significance. Review status: criteria provided, multiple submitters, no conflicts (2 of 4 stars). 4 submissions from 4 submitters: Uncertain significance (4). Last evaluated 2024-08-15.

Conditions:
Inborn genetic diseases. Identifiers: MedGen C0950123, MeSH D030342.
Glycogen storage disease due to phosphoglycerate kinase 1 deficiency. Also called: PHOSPHOGLYCERATE KINASE 1 DEFICIENCY WITH LEVO-DOPA-RESPONSIVE PARKINSONISM; PGK1 DEFICIENCY. Identifiers: Orphanet 713, MedGen C1970848, MONDO:0010392, OMIM 300653.

Allele frequency attached by ClinVar (database versions not stated): gnomAD 0.00002; TOPMed 0.00002.

Submissions (4):

Revvity Omics, Revvity
Classification: Uncertain significance for Glycogen storage disease due to phosphoglycerate kinase 1 deficiency. Last evaluated: 2024-08-15. Review status: criteria provided, single submitter. Criteria: ACMG Guidelines, 2015. Collection method: clinical testing. Allele origin: germline.

GeneDx
Classification: Uncertain significance. Last evaluated: 2023-12-02. Review status: criteria provided, single submitter. Criteria: GeneDx Variant Classification Process June 2021. Collection method: clinical testing. Allele origin: germline. Affected: yes.
Comment: Not observed at significant frequency in large population cohorts (gnomAD); In silico analysis supports that this missense variant has a deleterious effect on protein structure/function; Has not been previously published as pathogenic or benign to our knowledge

Labcorp Genetics (formerly Invitae), Labcorp
Classification: Uncertain significance. Last evaluated: 2023-10-13. Review status: criteria provided, single submitter. Criteria: Invitae Variant Classification Sherloc (09022015). Collection method: clinical testing. Allele origin: germline.
Comment: This sequence change replaces tryptophan, which is neutral and slightly polar, with glycine, which is neutral and non-polar, at codon 311 of the PGK1 protein (p.Trp311Gly). This variant is not present in population databases (gnomAD no frequency). This variant has not been reported in the literature in individuals affected with PGK1-related conditions. ClinVar contains an entry for this variant (Variation ID: 521255). Advanced modeling of protein sequence and biophysical properties (such as structural, functional, and spatial information, amino acid conservation, physicochemical variation, residue mobility, and thermodynamic stability) performed at Invitae indicates that this missense variant is not expected to disrupt PGK1 protein function. In summary, the available evidence is currently insufficient to determine the role of this variant in disease. Therefore, it has been classified as a Variant of Uncertain Significance.

Ambry Genetics
Classification: Uncertain significance for Inborn genetic diseases. Last evaluated: 2016-08-30. Review status: criteria provided, single submitter. Criteria: Ambry exome assertion method (8-5-2015). Collection method: clinical testing. Allele origin: germline. Affected: yes. Observed: 1 variant allele.